The following is an entry in ClinVar:

NM_020738.4(KIDINS220):c.1130G>A (p.Arg377His)

Gene: KIDINS220 (kinase D interacting substrate 220; minus strand). Cytogenetic location: 2p25.1.
Variant type: single nucleotide variant.
Coding change: c.1130G>A on transcript NM_020738.4 (MANE Select); coding-DNA position 1130, G replaced by A.
Protein change: p.Arg377His; replaces arginine 377 with histidine.
Molecular consequence: missense variant. On other transcripts: non-coding transcript variant (2).
Genome position (GRCh38, 1-based): chr2:8,793,956, C>T on the plus strand (G>A on the coding strand, the complement: KIDINS220 is on the minus strand). VCF-style: chr2-8793956-C-T. GRCh37 (hg19) VCF-style: chr2-8934086-C-T.
Other names: c.1133G>A, p.Arg378His (NM_001348729.2, NM_001348731.2, NM_001348734.2 and 3 more transcripts); c.1130G>A, p.Arg377His (NM_001348732.2, NM_001348735.2, NM_001348738.2 and 3 more transcripts); c.1004G>A, p.Arg335His (NM_001348736.2); short protein forms R335H, R377H, R378H.
Identifiers: ClinVar variation 3358359 (VCV003358359.1).

ClinVar aggregate classification (germline): Uncertain significance (0 of 4 stars; one submission).

Conditions:
KIDINS220-related disorder. Also called: KIDINS220-related condition.

gnomAD v4.1: 18 of 1,612,674 alleles (0.0011%); highest among the groups gnomAD compares: South Asian, 0.0033%; no homozygotes.

Submission:

PreventionGenetics, part of Exact Sciences
Classification: Uncertain significance for KIDINS220-related condition. Last evaluated: 2024-08-05. Review status: no assertion criteria provided. Collection method: clinical testing. Allele origin: germline.
Comment: The KIDINS220 c.1130G>A variant is predicted to result in the amino acid substitution p.Arg377His. To our knowledge, this variant has not been reported in the literature. This variant is reported in 0.0018% of alleles in individuals of European (Non-Finnish) descent in gnomAD. At this time, the clinical significance of this variant is uncertain due to the absence of conclusive functional and genetic evidence.